The following is an entry in ClinVar:

NM_000814.6(GABRB3):c.550T>C (p.Tyr184His)

Gene: GABRB3 (gamma-aminobutyric acid type A receptor subunit beta3; minus strand). Cytogenetic location: 15q12.
Variant type: single nucleotide variant.
Coding change: c.550T>C on transcript NM_000814.6 (MANE Select); coding-DNA position 550, T replaced by C.
Protein change: p.Tyr184His; replaces tyrosine 184 with histidine.
Molecular consequence: missense variant.
Genome position (GRCh38, 1-based): chr15:26,580,451, A>G on the plus strand (T>C on the coding strand, the complement: GABRB3 is on the minus strand). VCF-style: chr15-26580451-A-G. GRCh37 (hg19) VCF-style: chr15-26825598-A-G.
Other names: c.295T>C, p.Tyr99His (NM_001191320.2, NM_001278631.2); c.337T>C, p.Tyr113His (NM_001191321.3); c.550T>C, p.Tyr184His (NM_021912.5); short protein forms Y113H, Y184H, Y99H.
Identifiers: ClinVar variation 3340580 (VCV003340580.1).

ClinVar aggregate classification (germline): Pathogenic (1 of 4 stars; one submission).

Submission:

GeneDx
Classification: Pathogenic. Last evaluated: 2023-05-17. Review status: criteria provided, single submitter. Criteria: GeneDx Variant Classification Process June 2021. Collection method: clinical testing. Allele origin: germline. Affected: yes.
Comment: Published functional studies demonstrate a damaging effect, including a loss of function effect (Mller et al., 2017; Absalom et al., 2022); Not observed at significant frequency in large population cohorts (gnomAD); In silico analysis supports that this missense variant has a deleterious effect on protein structure/function; This variant is associated with the following publications: (PMID: 35383156, 28053010)